The following is an entry in ClinVar:

NM_007215.4(POLG2):c.26C>T (p.Ala9Val)

Genes: POLG2 (DNA polymerase gamma 2, accessory subunit; minus strand), MILR1 (mast cell immunoglobulin like receptor 1; plus strand). Cytogenetic location: 17q23.3.
Variant type: single nucleotide variant.
Coding change: c.26C>T on transcript NM_007215.4 (MANE Select); coding-DNA position 26, C replaced by T.
Protein change: p.Ala9Val; replaces alanine 9 with valine.
Molecular consequence: missense variant.
Genome position (GRCh38, 1-based): chr17:64,496,943, G>A on the plus strand (C>T on the coding strand, the complement: POLG2 is on the minus strand). VCF-style: chr17-64496943-G-A. GRCh37 (hg19) VCF-style: chr17-62493061-G-A.
Other names: short protein forms A9V.
Identifiers: ClinVar variation 1914068 (VCV001914068.7), dbSNP rs781955943, ClinGen allele CA8713106.

ClinVar aggregate classification (germline): Uncertain significance. Review status: criteria provided, multiple submitters, no conflicts (2 of 4 stars). 3 submissions from 3 submitters: Uncertain significance (3). Last evaluated 2023-02-06.

Conditions:
Mitochondrial dna depletion syndrome 16B (neuroophthalmic type). Identifiers: MedGen C5543632, MONDO:0030326, OMIM 619425.
Progressive external ophthalmoplegia with mitochondrial DNA deletions, autosomal dominant 4. Also called: PROGRESSIVE EXTERNAL OPHTHALMOPLEGIA, AUTOSOMAL DOMINANT 4. Identifiers: MedGen C1864668, MONDO:0012415, OMIM 610131.
Mitochondrial DNA depletion syndrome 16 (hepatic type). Identifiers: MedGen C5193142, MONDO:0032799, OMIM 618528.

Allele frequency attached by ClinVar (database versions not stated): TOPMed below 0.00001; gnomAD 0.00001; ExAC 0.00005.
gnomAD v4.1: 55 of 1,608,734 alleles (0.0034%); highest among the groups gnomAD compares: South Asian, 0.06%; 2 homozygotes.

Submissions (3):

Labcorp Genetics (formerly Invitae), Labcorp
Classification: Uncertain significance. Last evaluated: 2023-02-06. Review status: criteria provided, single submitter. Criteria: Invitae Variant Classification Sherloc (09022015). Collection method: clinical testing. Allele origin: germline.
Comment: Algorithms developed to predict the effect of missense changes on protein structure and function output the following: SIFT: "Tolerated"; PolyPhen-2: "Benign"; Align-GVGD: "Class C0". The valine amino acid residue is found in multiple mammalian species, which suggests that this missense change does not adversely affect protein function. In summary, the available evidence is currently insufficient to determine the role of this variant in disease. Therefore, it has been classified as a Variant of Uncertain Significance. This variant has not been reported in the literature in individuals affected with POLG2-related conditions. This variant is present in population databases (rs781955943, gnomAD 0.05%), and has an allele count higher than expected for a pathogenic variant. This sequence change replaces alanine, which is neutral and non-polar, with valine, which is neutral and non-polar, at codon 9 of the POLG2 protein (p.Ala9Val).

Department of Pathology and Laboratory Medicine, Sinai Health System
Classification: Uncertain significance for Progressive external ophthalmoplegia with mitochondrial DNA deletions, autosomal dominant 4; Mitochondrial DNA depletion syndrome 16 (hepatic type); Mitochondrial dna depletion syndrome 16B (neuroophthalmic type). Last evaluated: 2022-07-20. Review status: criteria provided, single submitter. Criteria: ACMG Guidelines, 2015. Collection method: research. Allele origin: germline.

Ambry Genetics
Classification: Uncertain significance. Last evaluated: 2022-01-05. Review status: criteria provided, single submitter. Criteria: Ambry Variant Classification Scheme 2023. Collection method: clinical testing. Allele origin: germline.